The following is an entry in ClinVar:

NM_003597.5(KLF11):c.203G>A (p.Arg68Gln)

Gene: KLF11 (KLF transcription factor 11; plus strand). Cytogenetic location: 2p25.1.
Variant type: single nucleotide variant.
Coding change: c.203G>A on transcript NM_003597.5 (MANE Select); coding-DNA position 203, G replaced by A.
Protein change: p.Arg68Gln; replaces arginine 68 with glutamine.
Molecular consequence: missense variant.
Genome position (GRCh38, 1-based): chr2:10,046,310, G>A. VCF-style: chr2-10046310-G-A. GRCh37 (hg19) VCF-style: chr2-10186437-G-A.
Other names: c.152G>A, p.Arg51Gln (NM_001177716.2, NM_001177718.2); short protein forms R51Q, R68Q.
Identifiers: ClinVar variation 3707660 (VCV003707660.2).
Genomic context (GRCh38, chr2:10,046,310, plus strand): 5'-TCGAGGCTCTTGTTTGTATGAGCTCCTGGGGTCAAAGATCCCAGAAAGGTGACCTGTTGC[G>A]GATAAGACCCCTCACGCCTGTCTCTGACTCTGGGGATGTCACCACCACTGTGCATATGGA-3'
Protein context (NP_003588.1, residues 58-78): GQRSQKGDLL[Arg68Gln]IRPLTPVSDS

ClinVar aggregate classification (germline): Uncertain significance (1 of 4 stars; one submission).

gnomAD v4.1: 56 of 1,614,104 alleles (0.0035%); highest among the groups gnomAD compares: South Asian, 0.032%; 1 homozygote.

Submission:

Labcorp Genetics (formerly Invitae), Labcorp
Classification: Uncertain significance. Last evaluated: 2024-03-28. Review status: criteria provided, single submitter. Criteria: Invitae Variant Classification Sherloc (09022015). Collection method: clinical testing. Allele origin: germline.
Comment: This sequence change replaces arginine, which is basic and polar, with glutamine, which is neutral and polar, at codon 68 of the KLF11 protein (p.Arg68Gln). This variant is present in population databases (rs536698614, gnomAD 0.04%). This variant has not been reported in the literature in individuals affected with KLF11-related conditions. An algorithm developed to predict the effect of missense changes on protein structure and function (PolyPhen-2) suggests that this variant is likely to be tolerated. In summary, the available evidence is currently insufficient to determine the role of this variant in disease. Therefore, it has been classified as a Variant of Uncertain Significance.